The following is an entry in ClinVar:

ClinVar aggregate classification (germline): Uncertain significance (1 of 4 stars; one submission).

gnomAD v4.1: 1 of 1,611,324 alleles (0.000062%); no homozygotes.

Submission:

Labcorp Genetics (formerly Invitae), Labcorp
Classification: Uncertain significance. Last evaluated: 2022-07-27. Review status: criteria provided, single submitter. Criteria: Invitae Variant Classification Sherloc (09022015). Collection method: clinical testing. Allele origin: germline.
Comment: This sequence change falls in intron 12 of the TNNI3K gene. It does not directly change the encoded amino acid sequence of the TNNI3K protein. It affects a nucleotide within the consensus splice site. This variant is not present in population databases (gnomAD no frequency). This variant has not been reported in the literature in individuals affected with TNNI3K-related conditions. Variants that disrupt the consensus splice site are a relatively common cause of aberrant splicing (PMID: 17576681, 9536098). Algorithms developed to predict the effect of sequence changes on RNA splicing suggest that this variant is not likely to affect RNA splicing. In summary, the available evidence is currently insufficient to determine the role of this variant in disease. Therefore, it has been classified as a Variant of Uncertain Significance.

Literature cited by the submitters: PubMed 17576681; PubMed 9536098.

NM_015978.3(TNNI3K):c.1264+6C>G

Genes: FPGT-TNNI3K (FPGT-TNNI3K readthrough; plus strand), TNNI3K (TNNI3 interacting kinase; plus strand). Cytogenetic location: 1p31.1.
Variant type: single nucleotide variant.
Coding change: c.1264+6C>G on transcript NM_015978.3 (MANE Select); 6 bases into the intron after coding-DNA position 1264, C replaced by G.
Molecular consequence: intron variant.
Genome position (GRCh38, 1-based): chr1:74,367,348, C>G. VCF-style: chr1-74367348-C-G. GRCh37 (hg19) VCF-style: chr1-74833032-C-G.
Other names: c.1567+6C>G (NM_001112808.3, NM_001199327.2).
Identifiers: ClinVar variation 2068878 (VCV002068878.4), dbSNP rs368334798, ClinGen allele CA1003250365.